The following is an entry in ClinVar:

NM_006295.3(VARS1):c.2915C>T (p.Pro972Leu)

Gene: VARS1 (valyl-tRNA synthetase 1; minus strand). Cytogenetic location: 6p21.33.
Variant type: single nucleotide variant.
Coding change: c.2915C>T on transcript NM_006295.3 (MANE Select); coding-DNA position 2915, C replaced by T.
Protein change: p.Pro972Leu; replaces proline 972 with leucine.
Molecular consequence: missense variant.
Genome position (GRCh38, 1-based): chr6:31,780,451, G>A on the plus strand (C>T on the coding strand, the complement: VARS1 is on the minus strand). VCF-style: chr6-31780451-G-A. GRCh37 (hg19) VCF-style: chr6-31748228-G-A.
Other names: short protein forms P972L.
Identifiers: ClinVar variation 1690598 (VCV001690598.2), dbSNP rs1401631657, ClinGen allele CA363441993.

ClinVar aggregate classification (germline): Uncertain significance (1 of 4 stars; one submission).

Allele frequency attached by ClinVar (database versions not stated): TOPMed below 0.00001; gnomAD 0.00001.
gnomAD v4.1: 1 of 1,613,246 alleles (0.000062%); highest among the groups gnomAD compares: Non-Finnish European, 0.000085%; no homozygotes.

Submission:

Laboratorio de Genetica e Diagnostico Molecular, Hospital Israelita Albert Einstein
Classification: Uncertain significance. Last evaluated: 2022-04-06. Review status: criteria provided, single submitter. Criteria: ACMG Guidelines, 2015. Collection method: clinical testing. Allele origin: germline. Affected: yes.
Comment: ACMG classification criteria: PM2, BP4